The following is an entry in ClinVar:

ClinVar aggregate classification (germline): Pathogenic/Likely pathogenic. Review status: criteria provided, multiple submitters, no conflicts (2 of 4 stars). 9 submissions from 9 submitters: Pathogenic (5); Likely pathogenic (1). 3 of the submissions do not count toward it. Last evaluated 2025-03-05.

Conditions:
Cardiovascular phenotype. Identifiers: MedGen CN230736.
Familial isolated arrhythmogenic right ventricular dysplasia. Identifiers: Orphanet 217656, MedGen C4274968, MONDO:0016342.
Arrhythmogenic right ventricular cardiomyopathy (ARVD). Also called: Arrhythmogenic right ventricular dysplasia; Arrhythmogenic cardiomyopathy; Arrhythmogenic Right Ventricular Cardiomyopathy (ARVC); Cardiomyopathy, ARVC. Identifiers: Orphanet 247, MedGen C0349788, MeSH D019571, MONDO:0016587. Disease mechanism: loss of function. Inheritance: Various modes of inheritance.
Cardiomyopathy (CMYO). Also called: Cardiomyopathies. Identifiers: Orphanet 167848, MedGen C0878544, MONDO:0004994, HP:0001638. Inheritance: Various modes of inheritance.
Arrhythmogenic right ventricular dysplasia 9 (ARVD9). Also called: ARRHYTHMOGENIC RIGHT VENTRICULAR DYSPLASIA, FAMILIAL, 9; Arrhythmogenic Right Ventricular Dysplasia/Cardiomyopathy 9. Identifiers: MedGen C1836906, MONDO:0012180, OMIM 609040.

Submissions (9):

Labcorp Genetics (formerly Invitae), Labcorp
Classification: Pathogenic for Arrhythmogenic right ventricular dysplasia 9. Last evaluated: 2025-03-05. Review status: criteria provided, single submitter. Criteria: Invitae Variant Classification Sherloc (09022015). Collection method: clinical testing. Allele origin: germline.
Comment: This sequence change creates a premature translational stop signal (p.Gln457*) in the PKP2 gene. It is expected to result in an absent or disrupted protein product. Loss-of-function variants in PKP2 are known to be pathogenic (PMID: 15489853, 17041889, 23911551). This variant is not present in population databases (gnomAD no frequency). This premature translational stop signal has been observed in individual(s) with arrhythmogenic right ventricular cardiomyopathy (PMID: 15489853, 31386562). ClinVar contains an entry for this variant (Variation ID: 45020). For these reasons, this variant has been classified as Pathogenic.

Ambry Genetics
Classification: Pathogenic for Cardiovascular phenotype. Last evaluated: 2025-01-03. Review status: criteria provided, single submitter. Criteria: Ambry Variant Classification Scheme 2023. Collection method: clinical testing. Allele origin: germline.
Comment: The c.1369_1372delCAAA pathogenic mutation, located in coding exon 5 of the PKP2 gene, results from a deletion of 4 nucleotides at nucleotide positions 1369 to 1372, causing a translational frameshift with a predicted alternate stop codon (p.Q457*). This variant has been reported in arrhythmogenic right ventricular cardiomyopathy (ARVC) cohorts (Gerull B et al. Nat Genet, 2004 Nov;36:1162-4; Cox MG et al. Circulation, 2011 Jun;123:2690-700; Bourfiss M et al. J Cardiovasc Electrophysiol, 2016 Dec;27:1420-1428). This variant was detected in a cardiomyopathy/arrhythmia genetic testing cohort; however, clinical details were limited, and additional cardiac variants were detected in some cases (van Lint FHM et al. Neth Heart J, 2019 Jun;27:304-309). This variant is considered to be rare based on population cohorts in the Genome Aggregation Database (gnomAD). In addition to the clinical data presented in the literature, this alteration is expected to result in loss of function by premature protein truncation or nonsense-mediated mRNA decay. As such, this alteration is interpreted as a disease-causing mutation.

Women's Health and Genetics/Laboratory Corporation of America, LabCorp
Classification: Pathogenic for Familial isolated arrhythmogenic right ventricular dysplasia. Last evaluated: 2024-09-30. Review status: criteria provided, single submitter. Criteria: LabCorp Variant Classification Summary - May 2015. Collection method: clinical testing. Allele origin: germline.
Comment: Variant summary: PKP2 c.1369_1372delCAAA (p.Gln457X) results in a premature termination codon, predicted to cause a truncation of the encoded protein or absence of the protein due to nonsense mediated decay, which are commonly known mechanisms for disease. The variant was absent in 250900 control chromosomes. c.1369_1372delCAAA has been reported in the literature in individuals affected with Arrhythmogenic Right Ventricular Dysplasia/Cardiomyopathy (e.g. Gerull_2004, van Lint_2019). To our knowledge, no experimental evidence demonstrating an impact on protein function has been reported. The following publications have been ascertained in the context of this evaluation (PMID: 15489853, 31386562). ClinVar contains an entry for this variant (Variation ID: 45020). Based on the evidence outlined above, the variant was classified as pathogenic.

Color Diagnostics, LLC DBA Color Health
Classification: Pathogenic for Cardiomyopathy. Last evaluated: 2023-05-02. Review status: criteria provided, single submitter. Criteria: ACMG Guidelines, 2015. Collection method: clinical testing. Allele origin: germline.
Comment: This variant deletes 4 nucleotides in exon 5 of the PKP2 gene, creating a frameshift and premature translation stop signal. This variant is expected to result in an absent or non-functional protein product. This variant has been reported in at least five unrelated individuals affected with arrhythmogenic right ventricular cardiomyopathy (PMID: 15489853, 25820315, 27572111, 30847666). This variant has not been identified in the general population by the Genome Aggregation Database (gnomAD). Loss of PKP2 function is a known mechanism of disease. Based on the available evidence, this variant is classified as Pathogenic.

All of Us Research Program, National Institutes of Health
Classification: Pathogenic for Arrhythmogenic right ventricular cardiomyopathy. Last evaluated: 2023-03-23. Review status: criteria provided, single submitter. Criteria: ACMG Guidelines, 2015. Collection method: clinical testing. Allele origin: germline. Inheritance: Autosomal dominant inheritance. Observed: 1 variant allele, 1 heterozygote.
Comment: This variant deletes 4 nucleotides in exon 5 of the PKP2 gene, creating a frameshift and premature translation stop signal. This variant is expected to result in an absent or non-functional protein product. This variant has been reported in at least five unrelated individuals affected with arrhythmogenic right ventricular cardiomyopathy (PMID: 15489853, 25820315, 27572111, 30847666). This variant has not been identified in the general population by the Genome Aggregation Database (gnomAD). Loss of PKP2 function is a known mechanism of disease. Based on the available evidence, this variant is classified as Pathogenic.

This study involves interpretation of variants in research participants for the purpose of population health screening. Participant phenotype was not available at the time of variant classification. Additional details can be found in publication PMID: 35346344, PMCID: PMC8962531

Laboratory for Molecular Medicine, Mass General Brigham Personalized Medicine
Classification: Likely pathogenic for Arrhythmogenic right ventricular cardiomyopathy. Last evaluated: 2011-04-27. Review status: criteria provided, single submitter. Criteria: LMM Criteria. Collection method: clinical testing. Allele origin: germline. Observed: 3 variant alleles.
Comment: In addition, this variant leads to a premature st op at codon 457, which is predicted to lead to a truncated or absent protein (lo ss of function). Loss of function of the PKP2 gene is an established disease mec hanism in patients with ARVD/C, which makes it highly likely that the Gln457X va riant is pathogenic.

Clinical Genetics, Academic Medical Center
Classification: Pathogenic. Review status: no assertion criteria provided. Collection method: clinical testing. Allele origin: germline. Affected: yes. Study: VKGL Data-share Consensus. Not counted in ClinVar's aggregate classification.

Diagnostic Laboratory, Department of Genetics, University Medical Center Groningen
Classification: Pathogenic. Review status: no assertion criteria provided. Collection method: clinical testing. Allele origin: germline. Affected: yes. Study: VKGL Data-share Consensus. Not counted in ClinVar's aggregate classification.

Joint Genome Diagnostic Labs from Nijmegen and Maastricht, Radboudumc and MUMC+
Classification: Pathogenic. Review status: no assertion criteria provided. Collection method: clinical testing. Allele origin: germline. Affected: yes. Study: VKGL Data-share Consensus. Not counted in ClinVar's aggregate classification.

Literature cited by the submitters: PubMed 15489853 (cited by 6 submitters); PubMed 17041889 (cited by Labcorp Genetics (formerly Invitae), Labcorp); PubMed 23911551 (cited by Labcorp Genetics (formerly Invitae), Labcorp); PubMed 31386562 (cited by Labcorp Genetics (formerly Invitae), Labcorp and Women's Health and Genetics/Laboratory Corporation of America, LabCorp); PubMed 21606396 (cited by Ambry Genetics); PubMed 27572111 (cited by 3 submitters); PubMed 30847666 (cited by 3 submitters); PubMed 25820315 (cited by Color Diagnostics, LLC DBA Color Health and All of Us Research Program, National Institutes of Health).

NM_001005242.3(PKP2):c.1369_1372del (p.Lys456_Gln457insTer)

Gene: PKP2 (plakophilin 2; minus strand). Cytogenetic location: 12p11.21.
Variant type: Deletion.
Coding change: c.1369_1372del on transcript NM_001005242.3 (MANE Select); coding-DNA positions 1369 to 1372, 4 bases deleted (CAAA; older notation c.1369_1372delCAAA).
Protein change: p.Lys456_Gln457insTer.
Molecular consequence: nonsense.
Genome position (GRCh38, 1-based): chr12:32,850,772-32,850,775, TTTG deleted on the plus strand (CAAA on the coding strand, the reverse complement: PKP2 is on the minus strand); deleting any 4 consecutive bases within chr12:32,850,772-32,850,778 gives the same sequence; the c. name uses the placement nearest the transcript's 3' end. VCF-style (leftmost placement, unchanged base first): chr12-32850771-ATTTG-A. GRCh37 (hg19) VCF-style: chr12-33003705-ATTTG-A.
Other names: c.1369_1372delCAAA (NM_004572.3, NM_004572.4); c.1369_1372del, p.Lys456_Gln457insTer (NM_004572.4).
Identifiers: ClinVar variation 45020 (VCV000045020.19), dbSNP rs397516993, ClinGen allele CA010987.